The following is an entry in ClinVar:

NM_000059.4(BRCA2):c.8417C>A (p.Ser2806Ter)

Gene: BRCA2 (BRCA2 DNA repair associated; plus strand). Cytogenetic location: 13q13.1.
Variant type: single nucleotide variant.
Coding change: c.8417C>A on transcript NM_000059.4 (MANE Select); coding-DNA position 8417, C replaced by A.
Protein change: p.Ser2806Ter; replaces serine 2806 with a stop codon.
Molecular consequence: nonsense.
Genome position (GRCh38, 1-based): chr13:32,370,487, C>A. VCF-style: chr13-32370487-C-A. GRCh37 (hg19) VCF-style: chr13-32944624-C-A.
Other names: short protein forms S2806*.
Identifiers: ClinVar variation 1454154 (VCV001454154.7), dbSNP rs587782785, ClinGen allele CA387752521.

ClinVar aggregate classification (germline): Pathogenic. Review status: criteria provided, multiple submitters, no conflicts (2 of 4 stars). 2 submissions from 2 submitters: Pathogenic (2). Last evaluated 2026-04-14.

Conditions:
Breast-ovarian cancer, familial, susceptibility to, 2 (BROVCA2). Also called: BRCA2 Hereditary Breast and Ovarian Cancer. Identifiers: Orphanet 145, MedGen C2675520, MONDO:0012933, OMIM 612555. Disease mechanism: loss of function.
Hereditary breast ovarian cancer syndrome. Also called: Hereditary breast and/or ovarian cancer syndrome; BRCA1- and BRCA2-Associated Hereditary Breast and Ovarian Cancer; Hereditary breast and ovarian cancer syndrome; Hereditary breast and ovarian cancer; Hereditary breast and ovarian cancer syndrome (HBOC); Breast and ovarian cancer. Identifiers: Orphanet 145, MedGen C0677776, MeSH D061325, MONDO:0003582. Disease mechanism: loss of function.

Submissions (2):

Myriad Genetics, Inc.
Classification: Pathogenic for Breast-ovarian cancer, familial, susceptibility to, 2. Last evaluated: 2026-04-14. Review status: criteria provided, single submitter. Criteria: Myriad Autosomal Dominant, Autosomal Recessive and X-Linked Classification Criteria (2023). Collection method: clinical testing. Allele origin: unknown.
Comment: This variant is considered pathogenic. This variant creates a termination codon and is predicted to result in premature protein truncation.

Labcorp Genetics (formerly Invitae), Labcorp
Classification: Pathogenic for Hereditary breast ovarian cancer syndrome. Last evaluated: 2021-10-21. Review status: criteria provided, single submitter. Criteria: Invitae Variant Classification Sherloc (09022015). Collection method: clinical testing. Allele origin: germline.
Comment: This sequence change creates a premature translational stop signal (p.Ser2806*) in the BRCA2 gene. It is expected to result in an absent or disrupted protein product. Loss-of-function variants in BRCA2 are known to be pathogenic (PMID: 20104584). This variant is not present in population databases (ExAC no frequency). This variant has not been reported in the literature in individuals affected with BRCA2-related conditions. For these reasons, this variant has been classified as Pathogenic.

Literature cited by the submitters: PubMed 20104584 (cited by Labcorp Genetics (formerly Invitae), Labcorp).